The following is an entry in ClinVar:

NM_001111.5(ADAR):c.795T>C (p.His265=)

Gene: ADAR (adenosine deaminase RNA specific; minus strand). Cytogenetic location: 1q21.3.
Variant type: single nucleotide variant.
Coding change: c.795T>C on transcript NM_001111.5 (MANE Select); coding-DNA position 795, T replaced by C.
Protein change: p.His265=; no amino-acid change (histidine 265 retained).
Molecular consequence: synonymous variant. On other transcripts: 5 prime UTR variant (6).
Genome position (GRCh38, 1-based): chr1:154,601,847, A>G on the plus strand (T>C on the coding strand, the complement: ADAR is on the minus strand). VCF-style: chr1-154601847-A-G. GRCh37 (hg19) VCF-style: chr1-154574323-A-G.
Other names: c.-91T>C (NM_001025107.3, NM_001193495.2, NM_001365046.1 and 3 more transcripts); c.822T>C, p.His274= (NM_001365045.1); c.795T>C, p.His265= (NM_015840.4, NM_015841.4).
Identifiers: ClinVar variation 4821179 (VCV004821179.4).
Genomic context (GRCh38, chr1:154,601,847, plus strand): 5'-AGATGTGGAGTTGCTGTCTTCAGGTTCCAAACCTGGGTCTGAGTTTGGGGATCCTTGGCT[A>G]TGACTGTCTGGTCTTACCACTCCGCTGTGCTGGTTCCAAGCCTGAGCTGAGACTGCAATA-3'
Protein context (NP_001102.3, residues 255-275): QHSGVVRPDS[His265=]SQGSPNSDPG

ClinVar aggregate classification (germline): Likely benign (1 of 4 stars; one submission).

gnomAD v4.1: 1 of 1,614,222 alleles (0.000062%); highest among the groups gnomAD compares: Non-Finnish European, 0.000085%; no homozygotes.

Submission:

CeGaT Center for Human Genetics Tuebingen
Classification: Likely benign. Last evaluated: 2026-02-01. Review status: criteria provided, single submitter. Criteria: CeGaT Center For Human Genetics Tuebingen Variant Classification Criteria Version 2. Collection method: clinical testing. Allele origin: germline. Affected: yes. Observed: 1 variant allele.
Comment: ADAR: BP4, BP7